The following is an entry in ClinVar:

ClinVar aggregate classification (germline): Uncertain significance (1 of 4 stars; one submission).

Conditions:
PROK2-related disorder. Also called: PROK2-related condition.

Submission:

PreventionGenetics, part of Exact Sciences
Classification: Uncertain significance for PROK2-related condition. Last evaluated: 2025-03-17. Review status: criteria provided, single submitter. Criteria: ACMG Guidelines, 2015. Collection method: clinical testing. Allele origin: germline.
Comment: The PROK2 c.201C>G variant is predicted to result in the amino acid substitution p.Ser67Arg. To our knowledge, this variant has not been reported in the literature. This variant is reported in 0.0044% of alleles in individuals of European (Non-Finnish) descent in gnomAD. At this time, the clinical significance of this variant is uncertain due to the absence of conclusive functional and genetic evidence.

NM_001126128.2(PROK2):c.201C>G (p.Ser67Arg)

Gene: PROK2 (prokineticin 2; minus strand). Cytogenetic location: 3p13.
Variant type: single nucleotide variant.
Coding change: c.201C>G on transcript NM_001126128.2 (MANE Select); coding-DNA position 201, C replaced by G.
Protein change: p.Ser67Arg; replaces serine 67 with arginine.
Molecular consequence: missense variant.
Genome position (GRCh38, 1-based): chr3:71,781,488, G>C on the plus strand (C>G on the coding strand, the complement: PROK2 is on the minus strand). VCF-style: chr3-71781488-G-C. GRCh37 (hg19) VCF-style: chr3-71830639-G-C.
Other names: c.201C>G, p.Ser67Arg (NM_021935.4); short protein forms S67R.
Identifiers: ClinVar variation 3353195 (VCV003353195.2).
Genomic context (GRCh38, chr3:71,781,488, plus strand): 5'-CAGTAGAACCACCATGAATACAAATATATATATACTAACTTTACGAGTCAGTGGATGGCA[G>C]CTGTCTCCCAGTTTGCCCATAGGTGTGCAAATCCTTATGCTCTTGACCCAGATACTGACA-3'
Protein context (NP_001119600.1, residues 57-77): ICTPMGKLGD[Ser67Arg]CHPLTRKNNF